The following is an entry in ClinVar:

ClinVar aggregate classification (germline): Likely benign. Review status: criteria provided, multiple submitters, no conflicts (2 of 4 stars). 3 submissions from 3 submitters: Likely benign (3). Last evaluated 2026-04-01.

gnomAD v4.1: 14 of 1,614,082 alleles (0.00087%); highest among the groups gnomAD compares: Non-Finnish European, 0.0012%; no homozygotes.

Submissions (3):

CeGaT Center for Human Genetics Tuebingen
Classification: Likely benign. Last evaluated: 2026-04-01. Review status: criteria provided, single submitter. Criteria: CeGaT Center For Human Genetics Tuebingen Variant Classification Criteria Version 2. Collection method: clinical testing. Allele origin: germline. Affected: yes. Observed: 1 variant allele.
Comment: HK1: BP4, BP7

Labcorp Genetics (formerly Invitae), Labcorp
Classification: Likely benign. Last evaluated: 2025-10-10. Review status: criteria provided, single submitter. Criteria: Invitae Variant Classification Sherloc (09022015). Collection method: clinical testing. Allele origin: germline.

Blueprint Genetics
Classification: Likely benign. Last evaluated: 2022-07-22. Review status: criteria provided, single submitter. Criteria: ACMG Guidelines, 2015. Collection method: clinical testing. Allele origin: germline.

NM_000188.3(HK1):c.918T>C (p.Val306=)

Gene: HK1 (hexokinase 1; plus strand). Cytogenetic location: 10q22.1.
Variant type: single nucleotide variant.
Coding change: c.918T>C on transcript NM_000188.3 (MANE Select); coding-DNA position 918, T replaced by C.
Protein change: p.Val306=; no amino-acid change (valine 306 retained).
Molecular consequence: synonymous variant. On other transcripts: 5 prime UTR variant (1), non-coding transcript variant (2), intron variant (1).
Genome position (GRCh38, 1-based): chr10:69,376,976, T>C. VCF-style: chr10-69376976-T-C. GRCh37 (hg19) VCF-style: chr10-71136732-T-C.
Other names: c.930T>C, p.Val310= (NM_001322364.2, NM_001358263.1, NM_033497.3 and 1 more transcripts); c.1023T>C, p.Val341= (NM_001322365.2); c.834T>C, p.Val278= (NM_001322366.1, NM_001441143.1); c.822T>C, p.Val274= (NM_001322367.1); c.918T>C, p.Val306= (NM_001441139.1, NM_001441141.1, NM_001441145.1 and 2 more transcripts); c.909T>C, p.Val303= (NM_001441140.1); c.876T>C, p.Val292= (NM_001441142.1); c.798T>C, p.Val266= (NM_001441144.1); and 8 more.
Identifiers: ClinVar variation 4776402 (VCV004776402.4).